The following is an entry in ClinVar:

ClinVar aggregate classification (germline): Likely pathogenic (1 of 4 stars; one submission).

Submission:

GeneDx
Classification: Likely pathogenic. Last evaluated: 2020-08-20. Review status: criteria provided, single submitter. Criteria: GeneDx Variant Classification Process June 2021. Collection method: clinical testing. Allele origin: germline. Affected: yes.
Comment: Nonsense variant predicted to result in protein truncation or nonsense mediated decay in a gene for which loss-of-function is a known mechanism of disease; Not observed in large population cohorts (Lek et al., 2016); Has not been previously published as pathogenic or benign to our knowledge

NM_001136193.2(FASTKD2):c.682C>T (p.Gln228Ter)

Gene: FASTKD2 (FAST kinase domains 2; plus strand). Cytogenetic location: 2q33.3.
Variant type: single nucleotide variant.
Coding change: c.682C>T on transcript NM_001136193.2 (MANE Select); coding-DNA position 682, C replaced by T.
Protein change: p.Gln228Ter; replaces glutamine 228 with a stop codon.
Molecular consequence: nonsense.
Genome position (GRCh38, 1-based): chr2:206,767,375, C>T. VCF-style: chr2-206767375-C-T. GRCh37 (hg19) VCF-style: chr2-207632099-C-T.
Other names: p.Q228*:CAG>TAG; c.682C>T, p.Gln228Ter (NM_001136194.2, NM_014929.4); short protein forms Q228*.
Identifiers: ClinVar variation 214350 (VCV000214350.3), dbSNP rs863223962, ClinGen allele CA323091.